The following is an entry in ClinVar:

NM_005529.7(HSPG2):c.1258C>T (p.Arg420Trp)

Gene: HSPG2 (heparan sulfate proteoglycan 2; minus strand). Cytogenetic location: 1p36.12.
Variant type: single nucleotide variant.
Coding change: c.1258C>T on transcript NM_005529.7 (MANE Select); coding-DNA position 1258, C replaced by T.
Protein change: p.Arg420Trp; replaces arginine 420 with tryptophan.
Molecular consequence: missense variant.
Genome position (GRCh38, 1-based): chr1:21,885,110, G>A on the plus strand (C>T on the coding strand, the complement: HSPG2 is on the minus strand). VCF-style: chr1-21885110-G-A. GRCh37 (hg19) VCF-style: chr1-22211603-G-A.
Other names: c.1258C>T, p.Arg420Trp (NM_001291860.2); short protein forms R420W.
Identifiers: ClinVar variation 1942382 (VCV001942382.3), dbSNP rs756956990, ClinGen allele CA673501.

ClinVar aggregate classification (germline): Uncertain significance. Review status: criteria provided, multiple submitters, no conflicts (2 of 4 stars). 2 submissions from 2 submitters: Uncertain significance (2). Last evaluated 2024-04-15.

Conditions:
Lethal Kniest-like syndrome (DDSH). Also called: Dyssegmental Dysplasia. Identifiers: Orphanet 1865, MedGen C1857100, MONDO:0009140, OMIM 224410.
Schwartz-Jampel syndrome type 1 (SJS1). Also called: MYOTONIC MYOPATHY, DWARFISM, CHONDRODYSTROPHY, AND OCULAR AND FACIAL ABNORMALITIES; CHONDRODYSTROPHIC MYOTONIA. Identifiers: MedGen C4551479, MONDO:0100435, OMIM 255800.

Allele frequency attached by ClinVar (database versions not stated): ExAC 0.00009.
gnomAD v4.1: 68 of 1,612,848 alleles (0.0042%); highest among the groups gnomAD compares: East Asian, 0.011%; no homozygotes.

Submissions (2):

Fulgent Genetics
Classification: Uncertain significance for Lethal Kniest-like syndrome; Schwartz-Jampel syndrome type 1. Last evaluated: 2024-04-15. Review status: criteria provided, single submitter. Criteria: ACMG Guidelines, 2015. Collection method: clinical testing. Allele origin: germline.

Labcorp Genetics (formerly Invitae), Labcorp
Classification: Uncertain significance. Last evaluated: 2022-04-22. Review status: criteria provided, single submitter. Criteria: Invitae Variant Classification Sherloc (09022015). Collection method: clinical testing. Allele origin: germline.
Comment: This sequence change replaces arginine, which is basic and polar, with tryptophan, which is neutral and slightly polar, at codon 420 of the HSPG2 protein (p.Arg420Trp). This variant is present in population databases (rs756956990, gnomAD 0.02%). This variant has not been reported in the literature in individuals affected with HSPG2-related conditions. Algorithms developed to predict the effect of missense changes on protein structure and function are either unavailable or do not agree on the potential impact of this missense change (SIFT: "Deleterious"; PolyPhen-2: "Probably Damaging"; Align-GVGD: "Class C0"). In summary, the available evidence is currently insufficient to determine the role of this variant in disease. Therefore, it has been classified as a Variant of Uncertain Significance.